The following is an entry in ClinVar:

ClinVar aggregate classification (germline): Conflicting classifications of pathogenicity. Review status: criteria provided, conflicting classifications (1 of 4 stars). 8 submissions from 7 submitters: Uncertain significance (6); Benign (1); Likely benign (1). Last evaluated 2026-07-21.

Conditions:
Autosomal recessive ataxia, Beauce type. Also called: ATAXIA, RECESSIVE, OF BEAUCE; Spinocerebellar ataxia, autosomal recessive 8; SYNE1-Related Autosomal Recessive Cerebellar Ataxia; SYNE1 Deficiency. Identifiers: Orphanet 88644, MedGen C1853116, MONDO:0012549, OMIM 610743.
Emery-Dreifuss muscular dystrophy 4, autosomal dominant (EDMD4). Also called: EMERY-DREIFUSS MUSCULAR DYSTROPHY 4 WITH VARIABLE FEATURES. Identifiers: Orphanet 261, MedGen C2751807, MONDO:0013071, OMIM 612998.

Allele frequency attached by ClinVar (database versions not stated): 1000 Genomes Project 30x 0.00016; ExAC 0.00016; gnomAD exomes 0.00019 and 0.00046; 1000 Genomes Project 0.00020; TOPMed 0.00025; gnomAD 0.00027 and 0.00029; ESP Exome Variant Server 0.00054.
gnomAD v4.1: 701 of 1,614,056 alleles (0.043%); highest among the groups gnomAD compares: Non-Finnish European, 0.057%; no homozygotes.

Submissions (8):

GeneDx
Classification: Uncertain significance. Last evaluated: 2026-07-21. Review status: criteria provided, single submitter. Criteria: GeneDx Variant Classification Process June 2021. Collection method: clinical testing. Allele origin: germline.
Comment: In silico analysis supports that this missense variant has a deleterious effect on protein structure/function; Has not been previously published as pathogenic or benign to our knowledge

CeGaT Center for Human Genetics Tuebingen
Classification: Uncertain significance. Last evaluated: 2026-02-01. Review status: criteria provided, single submitter. Criteria: CeGaT Center For Human Genetics Tuebingen Variant Classification Criteria Version 2. Collection method: clinical testing. Allele origin: germline. Affected: yes. Observed: 2 variant alleles.
Comment: SYNE1: PM2, BP4

Revvity Omics, Revvity
Classification: Likely benign. Last evaluated: 2025-03-10. Review status: criteria provided, single submitter. Criteria: ACMG Guidelines, 2015. Collection method: clinical testing. Allele origin: germline.

Athena Diagnostics
Classification: Uncertain significance. Last evaluated: 2024-03-26. Review status: criteria provided, single submitter. Criteria: Athena Diagnostics Criteria. Collection method: clinical testing. Allele origin: unknown.
Comment: Available data are insufficient to determine the clinical significance of the variant at this time. The frequency of this variant in the general population is higher than would generally be expected for pathogenic variants in this gene. Computational tools predict that this variant is not damaging.

Labcorp Genetics (formerly Invitae), Labcorp
Classification: Uncertain significance for Emery-Dreifuss muscular dystrophy 4, autosomal dominant; Autosomal recessive ataxia, Beauce type. Last evaluated: 2023-12-01. Review status: criteria provided, single submitter. Criteria: Invitae Variant Classification Sherloc (09022015). Collection method: clinical testing. Allele origin: germline.
Comment: This sequence change replaces arginine, which is basic and polar, with tryptophan, which is neutral and slightly polar, at codon 1098 of the SYNE1 protein (p.Arg1098Trp). This variant is present in population databases (rs147841761, gnomAD 0.04%). This variant has not been reported in the literature in individuals affected with SYNE1-related conditions. ClinVar contains an entry for this variant (Variation ID: 282489). An algorithm developed to predict the effect of missense changes on protein structure and function (PolyPhen-2) suggests that this variant¬†is likely to be tolerated. In summary, the available evidence is currently insufficient to determine the role of this variant in disease. Therefore, it has been classified as a Variant of Uncertain Significance.

Illumina Laboratory Services, Illumina
Classification: Benign for Emery-Dreifuss muscular dystrophy 4, autosomal dominant. Last evaluated: 2018-01-12. Review status: criteria provided, single submitter. Criteria: ICSL Variant Classification Criteria 13 December 2019. Collection method: clinical testing. Allele origin: germline.
Comment: This variant was observed in the ICSL laboratory as part of a predisposition screen in an ostensibly healthy population. It had not been previously curated by ICSL or reported in the Human Gene Mutation Database (HGMD: prior to June 1st, 2018), and was therefore a candidate for classification through an automated scoring system. Utilizing variant allele frequency, disease prevalence and penetrance estimates, and inheritance mode, an automated score was calculated to assess if this variant is too frequent to cause the disease. Based on the score and internal cut-off values, a variant classified as benign is not then subjected to further curation. The score for this variant resulted in a classification of benign for this disease.

Illumina Laboratory Services, Illumina
Classification: Uncertain significance for Autosomal recessive ataxia, Beauce type. Last evaluated: 2018-01-12. Review status: criteria provided, single submitter. Criteria: ICSL Variant Classification Criteria 13 December 2019. Collection method: clinical testing. Allele origin: germline.

Eurofins Ntd Llc (ga)
Classification: Uncertain significance. Last evaluated: 2016-09-26. Review status: criteria provided, single submitter. Criteria: EGL Classification Definitions 2015. Collection method: clinical testing. Allele origin: germline. Observed: 2 variant alleles, 2 heterozygotes.

Literature cited by the submitters: PubMed 37926714 (cited by Athena Diagnostics); PubMed 29590070 (cited by Athena Diagnostics).

NM_182961.4(SYNE1):c.3271C>T (p.Arg1091Trp)

Gene: SYNE1 (spectrin repeat containing nuclear envelope protein 1; minus strand). Cytogenetic location: 6q25.2.
Variant type: single nucleotide variant.
Coding change: c.3271C>T on transcript NM_182961.4 (MANE Select); coding-DNA position 3271, C replaced by T.
Protein change: p.Arg1091Trp; replaces arginine 1091 with tryptophan.
Molecular consequence: missense variant.
Genome position (GRCh38, 1-based): chr6:152,450,749, G>A on the plus strand (C>T on the coding strand, the complement: SYNE1 is on the minus strand). VCF-style: chr6-152450749-G-A. GRCh37 (hg19) VCF-style: chr6-152771884-G-A.
Other names: c.3271C>T (NM_182961.2); c.3292C>T, p.Arg1098Trp (NM_033071.5); short protein forms R1091W, R1098W.
Identifiers: ClinVar variation 282489 (VCV000282489.34), dbSNP rs147841761, ClinGen allele CA4058879.
Genomic context (GRCh38, chr6:152,450,749, plus strand): 5'-CAGCTCTGAGCTCTTTGAGAGTCACGTGACAGGTTCCAGGTGTGTCCCTTACTGGGTCCC[G>A]CACTGGGAGTTTCACACAGAGTTCCTCGATGAGCTGTAACCTTTTCTCACAGAGATGATG-3'
Protein context (NP_892006.3, residues 1081-1101): IEELCVKLPV[Arg1091Trp]DPVRDTPGTC